The following is an entry in ClinVar:

ClinVar aggregate classification (germline): Uncertain significance (1 of 4 stars; one submission).

Conditions:
Cardiovascular phenotype. Identifiers: MedGen CN230736.

Submission:

Ambry Genetics
Classification: Uncertain significance for Cardiovascular phenotype. Last evaluated: 2025-04-05. Review status: criteria provided, single submitter. Criteria: Ambry Variant Classification Scheme 2023. Collection method: clinical testing. Allele origin: germline.
Comment: The p.V3361L variant (also known as c.10081G>C), located in coding exon 29 of the TNXB gene, results from a G to C substitution at nucleotide position 10081. The valine at codon 3361 is replaced by leucine, an amino acid with highly similar properties. This amino acid position is conserved. In addition, this alteration is predicted to be tolerated by in silico analysis. Based on the available evidence, the clinical significance of this variant remains unclear.

NM_001365276.2(TNXB):c.10087G>C (p.Val3363Leu)

Gene: TNXB (tenascin XB; minus strand). Cytogenetic location: 6p21.33.
Variant type: single nucleotide variant.
Coding change: c.10087G>C on transcript NM_001365276.2 (MANE Select); coding-DNA position 10087, G replaced by C.
Protein change: p.Val3363Leu; replaces valine 3363 with leucine.
Molecular consequence: missense variant.
Genome position (GRCh38, 1-based): chr6:32,047,971, C>G on the plus strand (G>C on the coding strand, the complement: TNXB is on the minus strand). VCF-style: chr6-32047971-C-G. GRCh37 (hg19) VCF-style: chr6-32015748-C-G.
Other names: c.10828G>C, p.Val3610Leu (NM_001428335.1); c.10081G>C, p.Val3361Leu (NM_019105.8); short protein forms V3361L, V3363L, V3610L.
Identifiers: ClinVar variation 3971988 (VCV003971988.1).